The following is an entry in ClinVar:

NM_005045.4(RELN):c.6106G>A (p.Ala2036Thr)

Gene: RELN (reelin; minus strand). Cytogenetic location: 7q22.1.
Variant type: single nucleotide variant.
Coding change: c.6106G>A on transcript NM_005045.4 (MANE Select); coding-DNA position 6106, G replaced by A.
Protein change: p.Ala2036Thr; replaces alanine 2036 with threonine.
Molecular consequence: missense variant.
Genome position (GRCh38, 1-based): chr7:103,551,263, C>T on the plus strand (G>A on the coding strand, the complement: RELN is on the minus strand). VCF-style: chr7-103551263-C-T. GRCh37 (hg19) VCF-style: chr7-103191710-C-T.
Other names: c.6106G>A, p.Ala2036Thr (NM_173054.3); short protein forms A2036T.
Identifiers: ClinVar variation 498311 (VCV000498311.42), dbSNP rs371614773, ClinGen allele CA4421024.

ClinVar aggregate classification (germline): Conflicting classifications of pathogenicity. Review status: criteria provided, conflicting classifications (1 of 4 stars). 5 submissions from 5 submitters: Uncertain significance (2); Likely benign (3). Last evaluated 2025-05-01.

Conditions:
Inborn genetic diseases. Identifiers: MedGen C0950123, MeSH D030342.
Norman-Roberts syndrome (LIS2). Also called: Lissencephaly 2 (Norman-Roberts type). Identifiers: Orphanet 89844, MedGen C0796089, MONDO:0009760, OMIM 257320.
Familial temporal lobe epilepsy 7. Identifiers: Orphanet 101046, MedGen C4225327, MONDO:0014639, OMIM 616436.

Allele frequency attached by ClinVar (database versions not stated): gnomAD 0.00002 and 0.00003; gnomAD exomes 0.00002 and 0.00009; ExAC 0.00003; TOPMed 0.00003; ESP Exome Variant Server 0.00008.
gnomAD v4.1: 134 of 1,613,746 alleles (0.0083%); highest among the groups gnomAD compares: Non-Finnish European, 0.011%; no homozygotes.

Submissions (5):

Labcorp Genetics (formerly Invitae), Labcorp
Classification: Likely benign for Familial temporal lobe epilepsy 7; Norman-Roberts syndrome. Last evaluated: 2025-05-01. Review status: criteria provided, single submitter. Criteria: Invitae Variant Classification Sherloc (09022015). Collection method: clinical testing. Allele origin: germline.

Blueprint Genetics
Classification: Likely benign. Last evaluated: 2023-11-21. Review status: criteria provided, single submitter. Criteria: ACMG Guidelines, 2015. Collection method: clinical testing. Allele origin: germline.

CeGaT Center for Human Genetics Tuebingen
Classification: Likely benign. Last evaluated: 2023-08-01. Review status: criteria provided, single submitter. Criteria: CeGaT Center For Human Genetics Tuebingen Variant Classification Criteria Version 2. Collection method: clinical testing. Allele origin: germline. Affected: yes. Observed: 1 variant allele.
Comment: RELN: PM2:Supporting, BP4, BP5

Ambry Genetics
Classification: Uncertain significance for Inborn genetic diseases. Last evaluated: 2021-09-30. Review status: criteria provided, single submitter. Criteria: Ambry Variant Classification Scheme 2023. Collection method: clinical testing. Allele origin: germline.

Eurofins Ntd Llc (ga)
Classification: Uncertain significance. Last evaluated: 2016-12-14. Review status: criteria provided, single submitter. Criteria: EGL Classification Definitions 2015. Collection method: clinical testing. Allele origin: germline. Observed: 1 variant allele, 1 heterozygote.